The following is an entry in ClinVar:

ClinVar aggregate classification (germline): Uncertain significance (1 of 4 stars; one submission).

Conditions:
Alagille syndrome due to a JAG1 point mutation. Also called: Alagille Syndrome 1; HEPATIC DUCTULAR HYPOPLASIA, SYNDROMATIC; JAG1-Related Alagille Syndrome. Identifiers: Orphanet 261619, Orphanet 52, MedGen C1956125, MONDO:0016862, OMIM 118450.

Allele frequency attached by ClinVar (database versions not stated): gnomAD exomes below 0.00001; TOPMed below 0.00001; ExAC 0.00001; gnomAD 0.00001.
gnomAD v4.1: 2 of 1,614,052 alleles (0.00012%); highest among the groups gnomAD compares: Non-Finnish European, 0.00017%; no homozygotes.

Submission:

Labcorp Genetics (formerly Invitae), Labcorp
Classification: Uncertain significance for Alagille syndrome due to a JAG1 point mutation. Last evaluated: 2021-03-10. Review status: criteria provided, single submitter. Criteria: Invitae Variant Classification Sherloc (09022015). Collection method: clinical testing. Allele origin: germline.
Comment: This sequence change replaces glycine with alanine at codon 1188 of the JAG1 protein (p.Gly1188Ala). The glycine residue is moderately conserved and there is a small physicochemical difference between glycine and alanine. This variant is present in population databases (rs766368457, ExAC 0.001%). This variant has not been reported in the literature in individuals with JAG1-related conditions. Advanced modeling of protein sequence and biophysical properties (such as structural, functional, and spatial information, amino acid conservation, physicochemical variation, residue mobility, and thermodynamic stability) performed at Invitae indicates that this missense variant is not expected to disrupt JAG1 protein function. In summary, the available evidence is currently insufficient to determine the role of this variant in disease. Therefore, it has been classified as a Variant of Uncertain Significance.

NM_000214.3(JAG1):c.3563G>C (p.Gly1188Ala)

Gene: JAG1 (jagged canonical Notch ligand 1; minus strand). Cytogenetic location: 20p12.2.
Variant type: single nucleotide variant.
Coding change: c.3563G>C on transcript NM_000214.3 (MANE Select); coding-DNA position 3563, G replaced by C.
Protein change: p.Gly1188Ala; replaces glycine 1188 with alanine.
Molecular consequence: missense variant.
Genome position (GRCh38, 1-based): chr20:10,639,592, C>G on the plus strand (G>C on the coding strand, the complement: JAG1 is on the minus strand). VCF-style: chr20-10639592-C-G. GRCh37 (hg19) VCF-style: chr20-10620240-C-G.
Other names: short protein forms G1188A.
Identifiers: ClinVar variation 1059945 (VCV001059945.9), dbSNP rs766368457, ClinGen allele CA9764186.